The following is an entry in ClinVar:

NM_015338.6(ASXL1):c.1994G>A (p.Ser665Asn)

Gene: ASXL1 (ASXL transcriptional regulator 1; plus strand). Cytogenetic location: 20q11.21.
Variant type: single nucleotide variant.
Coding change: c.1994G>A on transcript NM_015338.6 (MANE Select); coding-DNA position 1994, G replaced by A.
Protein change: p.Ser665Asn; replaces serine 665 with asparagine.
Molecular consequence: missense variant.
Genome position (GRCh38, 1-based): chr20:32,434,706, G>A. VCF-style: chr20-32434706-G-A. GRCh37 (hg19) VCF-style: chr20-31022509-G-A.
Other names: c.1811G>A, p.Ser604Asn (NM_001363734.1); short protein forms S604N, S665N.
Identifiers: ClinVar variation 2898077 (VCV002898077.3), dbSNP rs963788591, ClinGen allele CA408558334.
Genomic context (GRCh38, chr20:32,434,706, plus strand): 5'-GTGGCCCGGGTGGAGGTGGCGGCGGGGCCACCGATGAGGGAGGTGGCAGAGGCAGCAGCA[G>A]TGGTGATGGTGGTGAGGCCTGTGGCCACCCTGAGCCCAGGGGAGGCCCGAGCACCCCTGG-3'
Protein context (NP_056153.2, residues 655-675): TDEGGGRGSS[Ser665Asn]GDGGEACGHP

ClinVar aggregate classification (germline): Uncertain significance (1 of 4 stars; one submission).

gnomAD v4.1: 2 of 1,608,794 alleles (0.00012%); highest among the groups gnomAD compares: South Asian, 0.0011%; no homozygotes.

Submission:

Labcorp Genetics (formerly Invitae), Labcorp
Classification: Uncertain significance. Last evaluated: 2022-12-06. Review status: criteria provided, single submitter. Criteria: Invitae Variant Classification Sherloc (09022015). Collection method: clinical testing. Allele origin: germline.
Comment: In summary, the available evidence is currently insufficient to determine the role of this variant in disease. Therefore, it has been classified as a Variant of Uncertain Significance. Algorithms developed to predict the effect of missense changes on protein structure and function are either unavailable or do not agree on the potential impact of this missense change (SIFT: "Tolerated"; PolyPhen-2: "Possibly Damaging"; Align-GVGD: "Class C0"). This variant has not been reported in the literature in individuals affected with ASXL1-related conditions. This variant is present in population databases (no rsID available, gnomAD 0.001%). This sequence change replaces serine, which is neutral and polar, with asparagine, which is neutral and polar, at codon 665 of the ASXL1 protein (p.Ser665Asn).